The following is an entry in ClinVar:

NM_006231.4(POLE):c.1798T>A (p.Cys600Ser)

Gene: POLE (DNA polymerase epsilon, catalytic subunit; minus strand). Cytogenetic location: 12q24.33.
Variant type: single nucleotide variant.
Coding change: c.1798T>A on transcript NM_006231.4 (MANE Select); coding-DNA position 1798, T replaced by A.
Protein change: p.Cys600Ser; replaces cysteine 600 with serine.
Molecular consequence: missense variant.
Genome position (GRCh38, 1-based): chr12:132,668,936, A>T on the plus strand (T>A on the coding strand, the complement: POLE is on the minus strand). VCF-style: chr12-132668936-A-T. GRCh37 (hg19) VCF-style: chr12-133245522-A-T.
Other names: short protein forms C600S.
Identifiers: ClinVar variation 540699 (VCV000540699.14), dbSNP rs1555227426, ClinGen allele CA387355646.

ClinVar aggregate classification (germline): Uncertain significance. Review status: criteria provided, multiple submitters, no conflicts (2 of 4 stars). 2 submissions from 2 submitters: Uncertain significance (2). Last evaluated 2025-11-27.

Conditions:
Hereditary cancer-predisposing syndrome. Also called: Neoplastic Syndromes, Hereditary; Hereditary Cancer Syndrome; Hereditary neoplastic syndrome; Tumor predisposition. Identifiers: Orphanet 140162, MedGen C0027672, MeSH D009386, MONDO:0015356.

Submissions (2):

Labcorp Genetics (formerly Invitae), Labcorp
Classification: Uncertain significance. Last evaluated: 2025-11-27. Review status: criteria provided, single submitter. Criteria: Invitae Variant Classification Sherloc (09022015). Collection method: clinical testing. Allele origin: germline.
Comment: This sequence change replaces cysteine, which is neutral and slightly polar, with serine, which is neutral and polar, at codon 600 of the POLE protein (p.Cys600Ser). This variant is not present in population databases (gnomAD no frequency). This variant has not been reported in the literature in individuals affected with POLE-related conditions. ClinVar contains an entry for this variant (Variation ID: 540699). Invitae Evidence Modeling of protein sequence and biophysical properties (such as structural, functional, and spatial information, amino acid conservation, physicochemical variation, residue mobility, and thermodynamic stability) indicates that this missense variant is not expected to disrupt POLE protein function with a negative predictive value of 80%. In summary, the available evidence is currently insufficient to determine the role of this variant in disease. Therefore, it has been classified as a Variant of Uncertain Significance.

Ambry Genetics
Classification: Uncertain significance for Hereditary cancer-predisposing syndrome. Last evaluated: 2024-01-24. Review status: criteria provided, single submitter. Criteria: Ambry Variant Classification Scheme 2023. Collection method: clinical testing. Allele origin: germline.
Comment: The p.C600S variant (also known as c.1798T>A), located in coding exon 17 of the POLE gene, results from a T to A substitution at nucleotide position 1798. The cysteine at codon 600 is replaced by serine, an amino acid with dissimilar properties. This amino acid position is conserved. In addition, the in silico prediction for this alteration is inconclusive. Since supporting evidence is limited at this time, the clinical significance of this alteration remains unclear.